The following is an entry in ClinVar:

NM_000059.4(BRCA2):c.5146T>C (p.Tyr1716His)

Gene: BRCA2 (BRCA2 DNA repair associated; plus strand). Cytogenetic location: 13q13.1.
Variant type: single nucleotide variant.
Coding change: c.5146T>C on transcript NM_000059.4 (MANE Select); coding-DNA position 5146, T replaced by C.
Protein change: p.Tyr1716His; replaces tyrosine 1716 with histidine.
Molecular consequence: missense variant.
Genome position (GRCh38, 1-based): chr13:32,339,501, T>C. VCF-style: chr13-32339501-T-C. GRCh37 (hg19) VCF-style: chr13-32913638-T-C.
Other names: short protein forms Y1716H.
Identifiers: ClinVar variation 654269 (VCV000654269.11), dbSNP rs1593904536, ClinGen allele CA387784210.

ClinVar aggregate classification (germline): Conflicting classifications of pathogenicity. Review status: criteria provided, conflicting classifications (1 of 4 stars). 4 submissions from 4 submitters: Uncertain significance (3); Likely benign (1). Last evaluated 2025-12-14.

Conditions:
Hereditary breast ovarian cancer syndrome. Also called: Breast and ovarian cancer; BRCA1- and BRCA2-Associated Hereditary Breast and Ovarian Cancer; Hereditary breast and ovarian cancer; Hereditary breast and/or ovarian cancer syndrome; Hereditary breast and ovarian cancer syndrome; Hereditary breast and ovarian cancer syndrome (HBOC). Identifiers: Orphanet 145, MedGen C0677776, MeSH D061325, MONDO:0003582. Disease mechanism: loss of function.
Hereditary cancer-predisposing syndrome. Also called: Neoplastic Syndromes, Hereditary; Tumor predisposition; Hereditary Cancer Syndrome; Hereditary neoplastic syndrome. Identifiers: Orphanet 140162, MedGen C0027672, MeSH D009386, MONDO:0015356.

Allele frequency attached by ClinVar (database versions not stated): gnomAD exomes below 0.00001.
gnomAD v4.1: 1 of 1,583,814 alleles (0.000063%); highest among the groups gnomAD compares: Non-Finnish European, 0.000086%; no homozygotes.

Submissions (4):

Labcorp Genetics (formerly Invitae), Labcorp
Classification: Uncertain significance for Hereditary breast ovarian cancer syndrome. Last evaluated: 2025-12-14. Review status: criteria provided, single submitter. Criteria: Invitae Variant Classification Sherloc (09022015). Collection method: clinical testing. Allele origin: germline.
Comment: This sequence change replaces tyrosine, which is neutral and polar, with histidine, which is basic and polar, at codon 1716 of the BRCA2 protein (p.Tyr1716His). This variant is not present in population databases (gnomAD no frequency). This missense change has been observed in individual(s) with clinical features of BRCA2-related conditions (PMID: 21520333). ClinVar contains an entry for this variant (Variation ID: 654269). Invitae Evidence Modeling of protein sequence and biophysical properties (such as structural, functional, and spatial information, amino acid conservation, physicochemical variation, residue mobility, and thermodynamic stability) indicates that this missense variant is not expected to disrupt BRCA2 protein function with a negative predictive value of 95%. In summary, the available evidence is currently insufficient to determine the role of this variant in disease. Therefore, it has been classified as a Variant of Uncertain Significance.

Color Diagnostics, LLC DBA Color Health
Classification: Uncertain significance for Hereditary cancer-predisposing syndrome. Last evaluated: 2023-05-04. Review status: criteria provided, single submitter. Criteria: ACMG Guidelines, 2015. Collection method: clinical testing. Allele origin: germline.
Comment: This missense variant replaces tyrosine with histidine at codon 1716 of the BRCA2 protein. Computational prediction suggests that this variant may not impact protein structure and function (internally defined REVEL score threshold <= 0.5, PMID: 27666373). To our knowledge, functional studies have not been reported for this variant. This variant has not been reported in individuals affected with BRCA2-related disorders in the literature. This variant has not been identified in the general population by the Genome Aggregation Database (gnomAD). The available evidence is insufficient to determine the role of this variant in disease conclusively. Therefore, this variant is classified as a Variant of Uncertain Significance.

University of Washington Department of Laboratory Medicine, University of Washington
Classification: Likely benign for Hereditary cancer-predisposing syndrome. Last evaluated: 2023-03-23. Review status: criteria provided, single submitter. Criteria: Dines et al. (Genet Med. 2020). Collection method: curation. Allele origin: germline.
Comment: Missense variant in a coldspot region where missense variants are very unlikely to be pathogenic (PMID:31911673).

BRCA2 exon 11 coldspot. Reclassification based on statistical prior probability.

Ambry Genetics
Classification: Uncertain significance for Hereditary cancer-predisposing syndrome. Last evaluated: 2022-05-05. Review status: criteria provided, single submitter. Criteria: Ambry Variant Classification Scheme 2023. Collection method: clinical testing. Allele origin: germline.
Comment: The p.Y1716H variant (also known as c.5146T>C), located in coding exon 10 of the BRCA2 gene, results from a T to C substitution at nucleotide position 5146. The tyrosine at codon 1716 is replaced by histidine, an amino acid with similar properties. This amino acid position is poorly conserved in available vertebrate species. In addition, this alteration is predicted to be tolerated by in silico analysis. Since supporting evidence is limited at this time, the clinical significance of this alteration remains unclear.

Literature cited by the submitters: PubMed 21520333 (cited by Labcorp Genetics (formerly Invitae), Labcorp).